The following is an entry in ClinVar:

NM_006904.7(PRKDC):c.2066A>G (p.Lys689Arg)

Gene: PRKDC (protein kinase, DNA-activated, catalytic subunit; minus strand). Cytogenetic location: 8q11.21.
Variant type: single nucleotide variant.
Coding change: c.2066A>G on transcript NM_006904.7 (MANE Select); coding-DNA position 2066, A replaced by G.
Protein change: p.Lys689Arg; replaces lysine 689 with arginine.
Molecular consequence: missense variant.
Genome position (GRCh38, 1-based): chr8:47,929,165, T>C on the plus strand (A>G on the coding strand, the complement: PRKDC is on the minus strand). VCF-style: chr8-47929165-T-C. GRCh37 (hg19) VCF-style: chr8-48841725-T-C.
Other names: c.2066A>G, p.Lys689Arg (NM_001081640.2); short protein forms K689R.
Identifiers: ClinVar variation 3225774 (VCV003225774.1), dbSNP rs2551878490, ClinGen allele CA371163944.
Genomic context (GRCh38, chr8:47,929,165, plus strand): 5'-TTCACAAATAAAGCAAAGCAAGAATACTTTTCTGGGTCTTCAGGAGAGTGTTTCAGACTC[T>C]TTGGACTAACTCCCTGTCAAATAAAACAGCAAGTTAGTACACTGAACAAGAATCGGGAGA-3'
Protein context (NP_008835.5, residues 679-699): KIKYFEGVSP[Lys689Arg]SLKHSPEDPE

ClinVar aggregate classification (germline): Uncertain significance (1 of 4 stars; one submission).

Submission:

Ambry Genetics
Classification: Uncertain significance. Last evaluated: 2023-11-16. Review status: criteria provided, single submitter. Criteria: Ambry Variant Classification Scheme 2023. Collection method: clinical testing. Allele origin: germline.
Comment: The p.K689R variant (also known as c.2066A>G), located in coding exon 19 of the PRKDC gene, results from an A to G substitution at nucleotide position 2066. The lysine at codon 689 is replaced by arginine, an amino acid with highly similar properties. This amino acid position is conserved. In addition, this alteration is predicted to be tolerated by in silico analysis. Since supporting evidence is limited at this time, the clinical significance of this alteration remains unclear.